The following is an entry in ClinVar:

ClinVar aggregate classification (germline): Uncertain significance (0 of 4 stars; one submission).

Conditions:
CEP164-related disorder. Also called: CEP164-related condition.

Submission:

PreventionGenetics, part of Exact Sciences
Classification: Uncertain significance for CEP164-related condition. Last evaluated: 2024-08-22. Review status: no assertion criteria provided. Collection method: clinical testing. Allele origin: germline.
Comment: The CEP164 c.1217A>C variant is predicted to result in the amino acid substitution p.Lys406Thr. To our knowledge, this variant has not been reported in the literature or in a large population database, indicating this variant is rare. At this time, the clinical significance of this variant is uncertain due to the absence of conclusive functional and genetic evidence.

NM_014956.5(CEP164):c.1217A>C (p.Lys406Thr)

Gene: CEP164 (centrosomal protein 164; plus strand). Cytogenetic location: 11q23.3.
Variant type: single nucleotide variant.
Coding change: c.1217A>C on transcript NM_014956.5 (MANE Select); coding-DNA position 1217, A replaced by C.
Protein change: p.Lys406Thr; replaces lysine 406 with threonine.
Molecular consequence: missense variant.
Genome position (GRCh38, 1-based): chr11:117,373,815, A>C. VCF-style: chr11-117373815-A-C. GRCh37 (hg19) VCF-style: chr11-117244531-A-C.
Other names: c.1217A>C, p.Lys406Thr (NM_001271933.2); short protein forms K406T.
Identifiers: ClinVar variation 3344620 (VCV003344620.1).